The following is an entry in ClinVar:

ClinVar aggregate classification (germline): Pathogenic (1 of 4 stars; one submission).

Conditions:
Marfan syndrome (MFS). Also called: Marfan syndrome, classic; FBN1-Related Marfan Syndrome; Marfan syndrome type 1; Marfan's syndrome; MARFAN SYNDROME, TYPE I. Identifiers: Orphanet 284963, Orphanet 558, MedGen C0024796, MONDO:0007947, OMIM 154700.
Familial thoracic aortic aneurysm and aortic dissection (TAAD). Also called: Thoracic aortic aneurysms and dissections. Identifiers: Orphanet 91387, MedGen C4707243, MONDO:0019625.

Submission:

Labcorp Genetics (formerly Invitae), Labcorp
Classification: Pathogenic for Marfan syndrome; Familial thoracic aortic aneurysm and aortic dissection. Last evaluated: 2026-01-27. Review status: criteria provided, single submitter. Criteria: Invitae Variant Classification Sherloc (09022015). Collection method: clinical testing. Allele origin: germline.
Comment: This sequence change replaces cysteine, which is neutral and slightly polar, with phenylalanine, which is neutral and non-polar, at codon 1928 of the FBN1 protein (p.Cys1928Phe). This variant is not present in population databases (gnomAD no frequency). This missense change has been observed in individual(s) with Marfan syndrome (internal data). ClinVar contains an entry for this variant (Variation ID: 155794). Invitae Evidence Modeling of protein sequence and biophysical properties (such as structural, functional, and spatial information, amino acid conservation, physicochemical variation, residue mobility, and thermodynamic stability) indicates that this missense variant is expected to disrupt FBN1 protein function with a positive predictive value of 95%. This variant affects a cysteine residue in the EGF-like, TGFBP or hybrid motif domains of FBN1. Cysteine residues are believed to be involved in intramolecular disulfide bridges and have been shown to be important for FBN1 protein structure (PMID: 16905551, 19349279). In addition, missense substitutions affecting cysteine residues within these domains are significantly overrepresented among patients with Marfan syndrome (PMID: 16571647, 17701892). This variant disrupts the p.Cys1928 amino acid residue in FBN1. Other variant(s) that disrupt this residue have been observed in individuals with FBN1-related conditions (PMID: 7611299, 16220557, 19059503, 25101912; internal data), which suggests that this may be a clinically significant amino acid residue. For these reasons, this variant has been classified as Pathogenic.

Literature cited by the submitters: PubMed 16905551; PubMed 19349279; PubMed 16571647; PubMed 17701892; PubMed 7611299; PubMed 16220557; PubMed 19059503; PubMed 25101912.

NM_000138.5(FBN1):c.5783G>T (p.Cys1928Phe)

Gene: FBN1 (fibrillin 1; minus strand). Cytogenetic location: 15q21.1.
Variant type: single nucleotide variant.
Coding change: c.5783G>T on transcript NM_000138.5 (MANE Select); coding-DNA position 5783, G replaced by T.
Protein change: p.Cys1928Phe; replaces cysteine 1928 with phenylalanine.
Molecular consequence: missense variant.
Genome position (GRCh38, 1-based): chr15:48,446,711, C>A on the plus strand (G>T on the coding strand, the complement: FBN1 is on the minus strand). VCF-style: chr15-48446711-C-A. GRCh37 (hg19) VCF-style: chr15-48738908-C-A.
Other names: short protein forms C1928F.
Identifiers: ClinVar variation 155794 (VCV000155794.2), dbSNP rs587782947, ClinGen allele CA016047.
Genomic context (GRCh38, chr15:48,446,711, plus strand): 5'-AAAGAACACATATAAAACTGACTTCCTTTGCTGATGCACAATTTTGCACACGCACCTATA[C>A]AGTCATTGTTGTGAGAAAGGATGAAACCATGATTGCAGCGGCAGTTGAAGGAACCAATTG-3'
Protein context (NP_000129.3, residues 1918-1938): HGFILSHNND[Cys1928Phe]IDVDECASGN